The following is an entry in ClinVar:

ClinVar aggregate classification (germline): Uncertain significance. Review status: criteria provided, multiple submitters, no conflicts (2 of 4 stars). 3 submissions from 3 submitters: Uncertain significance (2). 1 of the submissions does not count toward it. Last evaluated 2025-11-22.

Conditions:
Breast-ovarian cancer, familial, susceptibility to, 1 (BROVCA1). Also called: BRCA1 Hereditary Breast and Ovarian Cancer; OVARIAN CANCER, SUSCEPTIBILITY TO. Identifiers: Orphanet 145, MedGen C2676676, MONDO:0011450, OMIM 604370. Disease mechanism: loss of function.
Hereditary cancer-predisposing syndrome. Also called: Hereditary Cancer Syndrome; Neoplastic Syndromes, Hereditary; Hereditary neoplastic syndrome; Tumor predisposition. Identifiers: Orphanet 140162, MedGen C0027672, MeSH D009386, MONDO:0015356.
Hereditary breast ovarian cancer syndrome. Also called: Hereditary breast and/or ovarian cancer syndrome; Hereditary breast and ovarian cancer syndrome; Hereditary breast and ovarian cancer; Hereditary breast and ovarian cancer syndrome (HBOC); Breast and ovarian cancer; BRCA1- and BRCA2-Associated Hereditary Breast and Ovarian Cancer. Identifiers: Orphanet 145, MedGen C0677776, MeSH D061325, MONDO:0003582. Disease mechanism: loss of function.

Allele frequency attached by ClinVar (database versions not stated): gnomAD exomes below 0.00001.

Submissions (3):

Labcorp Genetics (formerly Invitae), Labcorp
Classification: Uncertain significance for Hereditary breast ovarian cancer syndrome. Last evaluated: 2025-11-22. Review status: criteria provided, single submitter. Criteria: Invitae Variant Classification Sherloc (09022015). Collection method: clinical testing. Allele origin: germline.
Comment: This sequence change replaces lysine, which is basic and polar, with arginine, which is basic and polar, at codon 222 of the BRCA1 protein (p.Lys222Arg). This variant is not present in population databases (gnomAD no frequency). This variant has not been reported in the literature in individuals affected with BRCA1-related conditions. ClinVar contains an entry for this variant (Variation ID: 91660). Invitae Evidence Modeling of protein sequence and biophysical properties (such as structural, functional, and spatial information, amino acid conservation, physicochemical variation, residue mobility, and thermodynamic stability) indicates that this missense variant is not expected to disrupt BRCA1 protein function with a negative predictive value of 80%. In summary, the available evidence is currently insufficient to determine the role of this variant in disease. Therefore, it has been classified as a Variant of Uncertain Significance.

Ambry Genetics
Classification: Uncertain significance for Hereditary cancer-predisposing syndrome. Last evaluated: 2015-03-02. Review status: criteria provided, single submitter. Criteria: Ambry Variant Classification Scheme 2023. Collection method: clinical testing. Allele origin: germline.
Comment: The p.K222R variant (also known as c.665A>G and 784A>G), located in coding exon 8 of the BRCA1 gene, results from an A to G substitution at nucleotide position 665. The lysine at codon 222 is replaced by arginine, an amino acid with highly similar properties. This alteration has been previously reported and classified as a variant of uncertain significance in the ClinVar database by the Sharing Clinical Reports Project (SCRP) (available from ClinVar. Accessed 03/02/2015). This variant was not reported in population based cohorts in the following databases: Database of Single Nucleotide Polymorphisms (dbSNP), NHLBI Exome Sequencing Project (ESP), and 1000 Genomes Project. In the ESP, this variant was not observed in 6503 samples (13006 alleles) with coverage at this position. To date, this alteration has been detected with an allele frequency of approximately 0.001% (greater than 105000 alleles tested) in our clinical cohort. This amino acid position is not well conserved in available vertebrate species. In addition, this alteration is predicted to be deleterious by in silico analysis. Since supporting evidence is limited at this time, the clinical significance of p.K222R remains unclear.

Sharing Clinical Reports Project (SCRP)
Classification: Uncertain significance for Breast-ovarian cancer, familial 1. Last evaluated: 2008-05-09. Review status: no assertion criteria provided. Collection method: clinical testing. Allele origin: germline. Not counted in ClinVar's aggregate classification.

NM_007294.4(BRCA1):c.665A>G (p.Lys222Arg)

Gene: BRCA1 (BRCA1 DNA repair associated; minus strand). Cytogenetic location: 17q21.31.
Variant type: single nucleotide variant.
Coding change: c.665A>G on transcript NM_007294.4 (MANE Select); coding-DNA position 665, A replaced by G.
Protein change: p.Lys222Arg; replaces lysine 222 with arginine.
Molecular consequence: missense variant. On other transcripts: non-coding transcript variant (1).
Genome position (GRCh38, 1-based): chr17:43,095,851, T>C on the plus strand (A>G on the coding strand, the complement: BRCA1 is on the minus strand). VCF-style: chr17-43095851-T-C. GRCh37 (hg19) VCF-style: chr17-41247868-T-C.
Other names: 784A>G; c.452A>G, p.Lys151Arg (NM_001407571.1, NM_001407853.1, NM_001407894.1 and 12 more transcripts); c.665A>G, p.Lys222Arg (NM_001407581.1, NM_001407582.1, NM_001407583.1 and 59 more transcripts); c.662A>G, p.Lys221Arg (NM_001407587.1, NM_001407590.1, NM_001407591.1 and 41 more transcripts); c.656A>G, p.Lys219Arg (NM_001407646.1, NM_001407647.1, NM_001408408.1); c.587A>G, p.Lys196Arg (NM_001407653.1, NM_001407654.1, NM_001407655.1 and 9 more transcripts); c.584A>G, p.Lys195Arg (NM_001407659.1, NM_001407660.1, NM_001407661.1 and 3 more transcripts); c.524A>G, p.Lys175Arg (NM_001407692.1, NM_001407694.1, NM_001407695.1 and 43 more transcripts); and 5 more; short protein forms K222R, K175R, K151R, K174R, K219R, K221R, K94R, K195R.
Identifiers: ClinVar variation 91660 (VCV000091660.10), dbSNP rs398122705, ClinGen allele CA003782.
Genomic context (GRCh38, chr17:43,095,851, plus strand): 5'-TGTATCTACCCACTCTCTTTTCAGTGCCTGTTAAGTTGGCAAACTTTGCCATTACCCTTT[T>C]TTGCAGAATCCAAACTGATTTCATCCCTGGTTCCTTGAGGGGTGATTTGTAACAATTCTT-3'
Protein context (NP_009225.1, residues 212-232): TRDEISLDSA[Lys222Arg]KAACEFSETD